The following is an entry in ClinVar:

ClinVar aggregate classification (germline): Pathogenic (0 of 4 stars; one submission).

Conditions:
Retinoblastoma (RB1). Also called: RETINOBLASTOMA, SOMATIC. Identifiers: Orphanet 790, MedGen C0035335, MeSH D012175, MONDO:0008380, OMIM 180200, HP:0009919. Disease mechanism: loss of function. Inheritance: Both sporadic and heritable forms are tested..

Submission:

Genetic Diagnostic Laboratory, University of Pennsylvania School of Medicine
Classification: Pathogenic for Retinoblastoma. Last evaluated: 2013-09-16. Review status: no assertion criteria provided. Collection method: research. Allele origin: somatic. Affected: yes.
Comment: Damaging according to PolyPhen

NM_000321.3(RB1):c.1927A>G (p.Lys643Glu)

Gene: RB1 (RB transcriptional corepressor 1; plus strand). Cytogenetic location: 13q14.2.
Variant type: single nucleotide variant.
Coding change: c.1927A>G on transcript NM_000321.3 (MANE Select); coding-DNA position 1927, A replaced by G.
Protein change: p.Lys643Glu; replaces lysine 643 with glutamic acid.
Molecular consequence: missense variant.
Genome position (GRCh38, 1-based): chr13:48,456,316, A>G. VCF-style: chr13-48456316-A-G. GRCh37 (hg19) VCF-style: chr13-49030452-A-G.
Other names: L11910:g.153320A>G; short protein forms K643E.
Identifiers: ClinVar variation 126790 (VCV000126790.1), dbSNP rs587778866, ClinGen allele CA026409.